The following is an entry in ClinVar:

ClinVar aggregate classification (germline): Benign/Likely benign. Review status: criteria provided, multiple submitters, no conflicts (2 of 4 stars). 2 submissions from 2 submitters: Benign (1); Likely benign (1). Last evaluated 2023-10-09.

Conditions:
Idiopathic basal ganglia calcification 1 (PFBC1A). Also called: Familial Idiopathic Basal Ganglia Calcification 2; Familial Idiopathic Basal Ganglia Calcification 3; Primary Familial Brain Calcification; PRIMARY FAMILIAL BRAIN CALCIFICATION 1A, AUTOSOMAL DOMINANT; Fahr's syndrome; Cerebral calcification nonarteriosclerotic idiopathic adult-onset. Identifiers: Orphanet 1980, MedGen C4551624, MONDO:0024538, OMIM 213600.

Allele frequency attached by ClinVar (database versions not stated): 1000 Genomes Project 0.00060; 1000 Genomes Project 30x 0.00062.

Submissions (2):

Blueprint Genetics
Classification: Likely benign. Last evaluated: 2023-10-09. Review status: criteria provided, single submitter. Criteria: ACMG Guidelines, 2015. Collection method: clinical testing. Allele origin: germline.

Illumina Laboratory Services, Illumina
Classification: Benign for Idiopathic basal ganglia calcification 1. Last evaluated: 2018-01-13. Review status: criteria provided, single submitter. Criteria: ICSL Variant Classification Criteria 13 December 2019. Collection method: clinical testing. Allele origin: germline.
Comment: This variant was observed in the ICSL laboratory as part of a predisposition screen in an ostensibly healthy population. It had not been previously curated by ICSL or reported in the Human Gene Mutation Database (HGMD: prior to June 1st, 2018), and was therefore a candidate for classification through an automated scoring system. Utilizing variant allele frequency, disease prevalence and penetrance estimates, and inheritance mode, an automated score was calculated to assess if this variant is too frequent to cause the disease. Based on the score and internal cut-off values, a variant classified as benign is not then subjected to further curation. The score for this variant resulted in a classification of benign for this disease.

NM_001257180.2(SLC20A2):c.787G>A (p.Val263Ile)

Gene: SLC20A2 (solute carrier family 20 member 2; minus strand). Cytogenetic location: 8p11.21.
Variant type: single nucleotide variant.
Coding change: c.787G>A on transcript NM_001257180.2 (MANE Select); coding-DNA position 787, G replaced by A.
Protein change: p.Val263Ile; replaces valine 263 with isoleucine.
Molecular consequence: missense variant.
Genome position (GRCh38, 1-based): chr8:42,439,597, C>T on the plus strand (G>A on the coding strand, the complement: SLC20A2 is on the minus strand). VCF-style: chr8-42439597-C-T. GRCh37 (hg19) VCF-style: chr8-42297115-C-T.
Other names: c.787G>A, p.Val263Ile (NM_001257181.2, NM_006749.5); short protein forms V263I.
Identifiers: ClinVar variation 363086 (VCV000363086.6), dbSNP rs369823081, ClinGen allele CA4733456.
Genomic context (GRCh38, chr8:42,439,597, plus strand): 5'-TGTCATCATTAGCCTTGGCACCTGGTAGCTCTTTAAATACTGGGGACTCTGCTTCCTGAA[C>T]CTTACTGAGGCTTTCGTCAGATACTCGTGATAAAGCACCTTCTTTTTGTAATTTGCCTAA-3'
Protein context (NP_001244109.1, residues 253-273): SRVSDESLSK[Val263Ile]QEAESPVFKE